The following is an entry in ClinVar:

NM_000478.6(ALPL):c.1224G>T (p.Lys408Asn)

Gene: ALPL (alkaline phosphatase, biomineralization associated; plus strand). Cytogenetic location: 1p36.12.
Variant type: single nucleotide variant.
Coding change: c.1224G>T on transcript NM_000478.6 (MANE Select); coding-DNA position 1224, G replaced by T.
Protein change: p.Lys408Asn; replaces lysine 408 with asparagine.
Molecular consequence: missense variant.
Genome position (GRCh38, 1-based): chr1:21,576,556, G>T. VCF-style: chr1-21576556-G-T. GRCh37 (hg19) VCF-style: chr1-21903049-G-T.
Other names: c.1059G>T, p.Lys353Asn (NM_001127501.4); c.993G>T, p.Lys331Asn (NM_001177520.3); c.1224G>T, p.Lys408Asn (NM_001369803.2, NM_001369804.2, NM_001369805.2); short protein forms K331N, K353N, K408N.
Identifiers: ClinVar variation 3695206 (VCV003695206.2).

ClinVar aggregate classification (germline): Uncertain significance (1 of 4 stars; one submission).

Submission:

Labcorp Genetics (formerly Invitae), Labcorp
Classification: Uncertain significance. Last evaluated: 2024-05-01. Review status: criteria provided, single submitter. Criteria: Invitae Variant Classification Sherloc (09022015). Collection method: clinical testing. Allele origin: germline.
Comment: This sequence change replaces lysine, which is basic and polar, with asparagine, which is neutral and polar, at codon 408 of the ALPL protein (p.Lys408Asn). This variant is not present in population databases (gnomAD no frequency). This missense change has been observed in individual(s) with clinical features of hypophosphatasia (Invitae). Advanced modeling of protein sequence and biophysical properties (such as structural, functional, and spatial information, amino acid conservation, physicochemical variation, residue mobility, and thermodynamic stability) performed at Invitae indicates that this missense variant is expected to disrupt ALPL protein function with a positive predictive value of 80%. In summary, the available evidence is currently insufficient to determine the role of this variant in disease. Therefore, it has been classified as a Variant of Uncertain Significance.